The following is an entry in ClinVar:

ClinVar aggregate classification (germline): Pathogenic. Review status: criteria provided, multiple submitters, no conflicts (2 of 4 stars). 13 submissions from 13 submitters: Pathogenic (13). Last evaluated 2025-11-28.

Conditions:
Limb-girdle muscular dystrophy due to POMK deficiency. Also called: MUSCULAR DYSTROPHY-DYSTROGLYCANOPATHY, LIMB-GIRDLE, POMK-RELATED; Muscular dystrophy-dystroglycanopathy (limb-girdle), type c, 12. Identifiers: Orphanet 445110, MedGen C4015184, MONDO:0014489, OMIM 616094.
Autosomal recessive limb-girdle muscular dystrophy. Identifiers: Orphanet 102015, MedGen C2931907, MONDO:0015152.
Muscular dystrophy-dystroglycanopathy (congenital with brain and eye anomalies), type A1 (MDDGA1). Also called: COD-MD SYNDROME; WALKER-WARBURG SYNDROME OR MUSCLE-EYE-BRAIN DISEASE, POMT1-RELATED; Hydrocephalus, agyria and retinal dysplasia; Hard +/- E syndrome; Warburg syndrome; Chemke syndrome. Identifiers: Orphanet 588, Orphanet 899, MedGen C4284790, MONDO:0009364, OMIM 236670.
Walker-Warburg congenital muscular dystrophy. Also called: Muscular dystrophy-dystroglycanopathy, type A; Walker-Warburg syndrome. Identifiers: Orphanet 899, MedGen C0265221, MONDO:0000171.
Muscular dystrophy-dystroglycanopathy (congenital with impaired intellectual development), type B, 1. Also called: Muscular dystrophy-dystroglycanopathy (congenital with intellectual disability), type B1; MUSCULAR DYSTROPHY, CONGENITAL, POMT1-RELATED. Identifiers: MedGen C5436962, MONDO:0013159, OMIM 613155.
Autosomal recessive limb-girdle muscular dystrophy type 2K. Also called: MUSCULAR DYSTROPHY, LIMB-GIRDLE, TYPE 2K; MUSCULAR DYSTROPHY-DYSTROGLYCANOPATHY (LIMB-GIRDLE), TYPE C, 1. Identifiers: Orphanet 86812, MedGen C1836373, MONDO:0012248, OMIM 609308.
POMT1-related disorder. Also called: POMT1-related condition; POMT1-related disorders.

Allele frequency attached by ClinVar (database versions not stated): ExAC 0.00004; TOPMed 0.00005; gnomAD 0.00008; 1000 Genomes Project 30x 0.00016; 1000 Genomes Project 0.00020.
gnomAD v4.1: 110 of 1,613,006 alleles (0.0068%); highest among the groups gnomAD compares: Non-Finnish European, 0.0086%; no homozygotes.

Submissions (13):

Labcorp Genetics (formerly Invitae), Labcorp
Classification: Pathogenic for Muscular dystrophy-dystroglycanopathy (congenital with impaired intellectual development), type B, 1; Walker-Warburg congenital muscular dystrophy; Autosomal recessive limb-girdle muscular dystrophy type 2K. Last evaluated: 2025-11-28. Review status: criteria provided, single submitter. Criteria: Invitae Variant Classification Sherloc (09022015). Collection method: clinical testing. Allele origin: germline.
Comment: This sequence change creates a premature translational stop signal (p.Gln385*) in the POMT1 gene. It is expected to result in an absent or disrupted protein product. Loss-of-function variants in POMT1 are known to be pathogenic (PMID: 12369018, 15637732, 16575835). This variant is present in population databases (rs200056620, gnomAD 0.007%). This premature translational stop signal has been observed in individuals with Walker-Warburg syndrome (PMID: 12369018, 28116189, 31311558). ClinVar contains an entry for this variant (Variation ID: 95452). For these reasons, this variant has been classified as Pathogenic.

CeGaT Center for Human Genetics Tuebingen
Classification: Pathogenic. Last evaluated: 2025-11-01. Review status: criteria provided, single submitter. Criteria: CeGaT Center For Human Genetics Tuebingen Variant Classification Criteria Version 2. Collection method: clinical testing. Allele origin: germline. Affected: yes. Observed: 2 variant alleles.
Comment: POMT1: PVS1, PM3:Strong, PM2

Victorian Clinical Genetics Services, Murdoch Childrens Research Institute
Classification: Pathogenic for Muscular dystrophy-dystroglycanopathy (congenital with brain and eye anomalies), type A1. Last evaluated: 2024-10-10. Review status: criteria provided, single submitter. Criteria: ACMG Guidelines, 2015. Collection method: clinical testing. Allele origin: germline. Inheritance: Autosomal recessive inheritance.
Comment: Based on the classification scheme VCGS_Germline_v1.3.5, this variant is classified as Pathogenic. Following criteria are met: 0102 - Loss of function is a known mechanism of disease in this gene and is associated with muscular dystrophy-dystroglycanopathy (congenital with brain and eye anomalies) type A1 (MIM#236670), muscular dystrophy-dystroglycanopathy (congenital with intellectual development), type B, 1 (MIM#613155) and muscular dystrophy-dystroglycanopathy (limb-girdle), type C, 1 (MIM#609308). (I) 0106 - This gene is associated with autosomal recessive disease. (I) 0115 - Variants in this gene are known to have variable expressivity. The phenotypic spectrum ranges from the severe Walker-Warburg syndrome (WWS) to milder forms of limb girdle muscular dystrophy (LGMD) (PMID: 31311558; OMIM). (I) 0202 - Variant is predicted to cause nonsense-mediated decay (NMD) and loss of protein (premature termination codon is located at least 54 nucleotides upstream of the final exon-exon junction), but is located in an exon that may undergo alternative splicing. (SP) 0251 - This variant is heterozygous. (I) 0304 - Variant is present in gnomAD (v4) <0.01 for a recessive condition (110 heterozygotes, 0 homozygotes). (SP) 0801 - This variant has strong previous evidence of pathogenicity in unrelated individuals. This variant has been reported multiple times as pathogenic in ClinVar. It has also been reported in three affected fetuses with prenatal onset Walker-Warburg syndrome (PMID: 31311558). (SP) 0701 - Other NMD predicted variants comparable to the one identified in this case have very strong previous evidence for pathogenicity (ClinVar). (SP) Legend: (SP) - Supporting pathogenic, (I) - Information, (SB) - Supporting benign

Fulgent Genetics
Classification: Pathogenic for Muscular dystrophy-dystroglycanopathy (congenital with brain and eye anomalies), type A1; Autosomal recessive limb-girdle muscular dystrophy type 2K; Muscular dystrophy-dystroglycanopathy (congenital with impaired intellectual development), type B, 1. Last evaluated: 2024-06-14. Review status: criteria provided, single submitter. Criteria: ACMG Guidelines, 2015. Collection method: clinical testing. Allele origin: germline.

Women's Health and Genetics/Laboratory Corporation of America, LabCorp
Classification: Pathogenic for Autosomal recessive limb-girdle muscular dystrophy. Last evaluated: 2024-05-07. Review status: criteria provided, single submitter. Criteria: LabCorp Variant Classification Summary - May 2015. Collection method: clinical testing. Allele origin: germline.
Comment: Variant summary: POMT1 c.1153C>T (p.Gln385X) results in a premature termination codon, predicted to cause a truncation of the encoded protein or absence of the protein due to nonsense mediated decay, which are commonly known mechanisms for disease. The variant allele was found at a frequency of 3.6e-05 in 249572 control chromosomes. c.1153C>T has been reported in the literature in homozygous twins affected with Walker-Warburg syndrome (e.g. Beltran-Valero_2002). These data indicate that the variant may be associated with disease. To our knowledge, no experimental evidence demonstrating an impact on protein function has been reported. The following publication has been ascertained in the context of this evaluation (PMID: 12369018). ClinVar contains an entry for this variant (Variation ID: 95452). Based on the evidence outlined above, the variant was classified as pathogenic.

GeneDx
Classification: Pathogenic. Last evaluated: 2023-12-29. Review status: criteria provided, single submitter. Criteria: GeneDx Variant Classification Process June 2021. Collection method: clinical testing. Allele origin: germline. Affected: yes.
Comment: Nonsense variant predicted to result in protein truncation or nonsense mediated decay in a gene for which loss of function is a known mechanism of disease; Not observed at significant frequency in large population cohorts (gnomAD); This variant is associated with the following publications: (PMID: 25525159, 28116189, 30454682, 12369018, 31311558)

Baylor Genetics
Classification: Pathogenic for Muscular dystrophy-dystroglycanopathy (congenital with brain and eye anomalies), type A1. Last evaluated: 2023-11-28. Review status: criteria provided, single submitter. Criteria: ACMG Guidelines, 2015. Collection method: clinical testing. Allele origin: unknown.

New York Genome Center
Classification: Pathogenic for Muscular dystrophy-dystroglycanopathy (congenital with brain and eye anomalies), type A1; Muscular dystrophy-dystroglycanopathy (congenital with impaired intellectual development), type B, 1; Autosomal recessive limb-girdle muscular dystrophy type 2K. Last evaluated: 2023-02-09. Review status: criteria provided, single submitter. Criteria: NYGC Assertion Criteria 2020. Collection method: clinical testing. Allele origin: inherited. Affected: yes. Observed: 1 compound heterozygote. Study: PrenatalSEQ.
Comment: The inherited c.1087C>T, p.(Gln363Ter) variant (annotation based on MANE Select transcript NM_001077365.2) identified in the POMT1 gene is a nonsense variant predicted to lead to the premature termination of the protein at amino acid 363/726 (exon 12/20) and is expected to lead to the loss of protein function via nonsense mediated decay. This variant is found with low frequency in population databases (gnomADv2.1.1, gnomADv3.1.2, BRAVO-TOPMed, All of Us) with highest allele frequency of 4.53e-5 (BRAVO-TOPMed, 12 heterozygotes, 0 homozygotes), suggesting it is not a common benign variant in the populations represented in those databases. The c.1087C>T, p.(Gln363Ter) variant is reported in ClinVar as Pathogenic (VarID:95452; 2 stars, 7 submissions, no conflicts) and has been reported in individuals in the literature with Walker-Warburg syndrome in both homozygous state [PMID:12369018], and in compound heterozygosity with a second pathogenic variant [PMID:15522202] (reported as c.1153C>T (p.(Gln385Ter) as annotated from transcript NM_007171). Given its deleterious nature, low frequency in population databases, and observation in affected individuals in the literature in homozygosity and in compound heterozygosity with a second pathogenic variant, the inherited c.1087C>T, p.(Gln363Ter) variant is reported as Pathogenic.

Blueprint Genetics
Classification: Pathogenic for POMT1-related disorders. Last evaluated: 2022-09-09. Review status: criteria provided, single submitter. Criteria: ACMG Guidelines, 2015. Collection method: clinical testing. Allele origin: germline. Affected: yes. Observed: 4 variant alleles.

MGZ Medical Genetics Center
Classification: Pathogenic for Limb-girdle muscular dystrophy due to POMK deficiency. Last evaluated: 2022-05-18. Review status: criteria provided, single submitter. Criteria: ACMG Guidelines, 2015. Collection method: clinical testing. Allele origin: germline. Affected: yes. Observed: 1 variant allele.
Comment: ACMG criteria applied: PVS1, PM3, PM2_SUP

Institute of Human Genetics Munich, TUM University Hospital
Classification: Pathogenic for Muscular dystrophy-dystroglycanopathy (congenital with impaired intellectual development), type B, 1. Last evaluated: 2017-12-13. Review status: criteria provided, single submitter. Criteria: Classification criteria August 2017. Collection method: clinical testing. Allele origin: paternal. Inheritance: Autosomal recessive inheritance. Affected: yes. Observed: 1 compound heterozygote.

Center for Pediatric Genomic Medicine, Children's Mercy Hospital and Clinics
Classification: Pathogenic. Last evaluated: 2015-07-14. Review status: criteria provided, single submitter. Criteria: ACMG Guidelines, 2015. Collection method: clinical testing. Allele origin: germline.

Eurofins Ntd Llc (ga)
Classification: Pathogenic. Last evaluated: 2014-11-04. Review status: criteria provided, single submitter. Criteria: EGL Classification Definitions. Collection method: clinical testing. Allele origin: germline. Observed: 6 variant alleles, 5 heterozygotes.

Literature cited by the submitters: PubMed 12369018 (cited by 3 submitters); PubMed 15637732 (cited by Labcorp Genetics (formerly Invitae), Labcorp); PubMed 16575835 (cited by Labcorp Genetics (formerly Invitae), Labcorp); PubMed 28116189 (cited by Labcorp Genetics (formerly Invitae), Labcorp); PubMed 31311558 (cited by Labcorp Genetics (formerly Invitae), Labcorp and Victorian Clinical Genetics Services, Murdoch Childrens Research Institute); PubMed 1236901 (cited by New York Genome Center).

NM_001077365.2(POMT1):c.1087C>T (p.Gln363Ter)

Gene: POMT1 (protein O-mannosyltransferase 1; plus strand). Cytogenetic location: 9q34.13.
Variant type: single nucleotide variant.
Coding change: c.1087C>T on transcript NM_001077365.2 (MANE Select); coding-DNA position 1087, C replaced by T.
Protein change: p.Gln363Ter; replaces glutamine 363 with a stop codon.
Molecular consequence: nonsense. On other transcripts: non-coding transcript variant (10), intron variant (1).
Genome position (GRCh38, 1-based): chr9:131,513,243, C>T. VCF-style: chr9-131513243-C-T. GRCh37 (hg19) VCF-style: chr9-134388630-C-T.
Other names: c.925C>T, p.Gln309Ter (NM_001077366.2, NM_001353194.2); c.1087C>T, p.Gln363Ter (NM_001136113.2, NM_001374690.1); c.736C>T, p.Gln246Ter (NM_001136114.2, NM_001353195.2, NM_001374691.1 and 1 more transcripts); c.1153C>T, p.Gln385Ter (NM_001353193.2, NM_007171.4); c.997C>T, p.Gln333Ter (NM_001353196.2); c.991C>T, p.Gln331Ter (NM_001353197.2, NM_001353198.2); c.802C>T, p.Gln268Ter (NM_001353199.2); c.631C>T, p.Gln211Ter (NM_001353200.2); and 4 more; short protein forms Q385*, Q211*, Q246*, Q309*, Q331*, Q333*, Q363*, Q268*.
Identifiers: ClinVar variation 95452 (VCV000095452.36), dbSNP rs200056620, ClinGen allele CA222989.